The following is an entry in ClinVar:

ClinVar aggregate classification (germline): Benign. Review status: criteria provided, multiple submitters, no conflicts (2 of 4 stars). 12 submissions from 12 submitters: Benign (9). 3 of the submissions do not count toward it. Last evaluated 2026-02-02.

Conditions:
Microcephaly 7, primary, autosomal recessive. Identifiers: Orphanet 2512, MedGen C2675187, MONDO:0012989, OMIM 612703.

Allele frequency attached by ClinVar (database versions not stated): 1000 Genomes Project 0.17831; 1000 Genomes Project 30x 0.18395; gnomAD exomes 0.23854 and 0.29389; ESP Exome Variant Server 0.28264; gnomAD 0.25183 and 0.25624; TOPMed 0.24806; ExAC 0.24206.
gnomAD v4.1: 466,888 of 1,613,810 alleles (29%); highest among the groups gnomAD compares: Non-Finnish European, 32%; 71,390 homozygotes.

Submissions (12):

Labcorp Genetics (formerly Invitae), Labcorp
Classification: Benign. Last evaluated: 2026-02-02. Review status: criteria provided, single submitter. Criteria: Invitae Variant Classification Sherloc (09022015). Collection method: clinical testing. Allele origin: germline.

Blueprint Genetics
Classification: Benign. Last evaluated: 2024-11-26. Review status: criteria provided, single submitter. Criteria: ACMG Guidelines, 2015. Collection method: clinical testing. Allele origin: germline.

Illumina Laboratory Services, Illumina
Classification: Benign for Microcephaly 7, primary, autosomal recessive. Last evaluated: 2018-01-13. Review status: criteria provided, single submitter. Criteria: ICSL Variant Classification Criteria 13 December 2019. Collection method: clinical testing. Allele origin: germline.
Comment: This variant was observed in the ICSL laboratory as part of a predisposition screen in an ostensibly healthy population. It had not been previously curated by ICSL or reported in the Human Gene Mutation Database (HGMD: prior to June 1st, 2018), and was therefore a candidate for classification through an automated scoring system. Utilizing variant allele frequency, disease prevalence and penetrance estimates, and inheritance mode, an automated score was calculated to assess if this variant is too frequent to cause the disease. Based on the score and internal cut-off values, a variant classified as benign is not then subjected to further curation. The score for this variant resulted in a classification of benign for this disease.

Athena Diagnostics
Classification: Benign. Last evaluated: 2017-04-20. Review status: criteria provided, single submitter. Criteria: Athena Diagnostics Criteria. Collection method: clinical testing. Allele origin: germline.

GeneDx
Classification: Benign. Last evaluated: 2015-03-03. Review status: criteria provided, single submitter. Criteria: GeneDx Variant Classification Process June 2021. Collection method: clinical testing. Allele origin: germline. Affected: yes.

Genetic Services Laboratory, University of Chicago
Classification: Benign. Last evaluated: 2014-07-24. Review status: criteria provided, single submitter. Criteria: ACMG Guidelines, 2015. Collection method: clinical testing. Allele origin: germline. Inheritance: Autosomal recessive inheritance.

Eurofins Ntd Llc (ga)
Classification: Benign. Last evaluated: 2013-07-03. Review status: criteria provided, single submitter. Criteria: EGL Classification Definitions 2015. Collection method: clinical testing. Allele origin: germline. Observed: 10 variant alleles, 9 heterozygotes, 1 homozygote.

Breakthrough Genomics
Classification: Benign. Review status: criteria provided, single submitter. Criteria: ACMG Guidelines, 2015. Collection method: not provided. Allele origin: germline. Inheritance: Autosomal recessive inheritance. Affected: yes.

PreventionGenetics, part of Exact Sciences
Classification: Benign. Review status: criteria provided, single submitter. Criteria: ACMG Guidelines, 2015. Collection method: clinical testing. Allele origin: germline.

Clinical Genetics DNA and cytogenetics Diagnostics Lab, Erasmus MC, Erasmus Medical Center
Classification: Benign. Review status: no assertion criteria provided. Collection method: clinical testing. Allele origin: germline. Affected: yes. Study: VKGL Data-share Consensus. Not counted in ClinVar's aggregate classification.

Diagnostic Laboratory, Department of Genetics, University Medical Center Groningen
Classification: Benign for Microcephaly 7, primary, autosomal recessive. Review status: no assertion criteria provided. Collection method: clinical testing. Allele origin: germline. Affected: yes. Study: VKGL Data-share Consensus. Not counted in ClinVar's aggregate classification.

Joint Genome Diagnostic Labs from Nijmegen and Maastricht, Radboudumc and MUMC+
Classification: Benign. Review status: no assertion criteria provided. Collection method: clinical testing. Allele origin: germline. Affected: yes. Study: VKGL Data-share Consensus. Not counted in ClinVar's aggregate classification.

NM_001048166.1(STIL):c.2954A>G (p.His985Arg)

Gene: STIL (STIL centriolar assembly protein; minus strand). Cytogenetic location: 1p33.
Variant type: single nucleotide variant.
Coding change: c.2954A>G on transcript NM_001048166.1 (MANE Select); coding-DNA position 2954, A replaced by G.
Protein change: p.His985Arg; replaces histidine 985 with arginine.
Molecular consequence: missense variant.
Genome position (GRCh38, 1-based): chr1:47,260,415, T>C on the plus strand (A>G on the coding strand, the complement: STIL is on the minus strand). VCF-style: chr1-47260415-T-C. GRCh37 (hg19) VCF-style: chr1-47726087-T-C.
Other names: c.2951A>G, p.His984Arg (NM_001282936.1, NM_003035.2); c.2900A>G, p.His967Arg (NM_001282937.1); c.2813A>G, p.His938Arg (NM_001282938.1); c.2759A>G, p.His920Arg (NM_001282939.1); short protein forms H984R, H985R, H920R, H967R, H938R.
Identifiers: ClinVar variation 94094 (VCV000094094.29), dbSNP rs13376679, ClinGen allele CA147612.
Genomic context (GRCh38, chr1:47,260,415, plus strand): 5'-CTTCTTAGTTGCTTAAGAGTTGCATTAAGGACACAATCTTTGTCCACCAGTCTTGAATGA[T>C]GTGTTTTTTTCTTTGTATGGTAAACGTTTTGGGTTCTGGTGCATTCATGACTGATAATTA-3'
Protein context (NP_001041631.1, residues 975-995): QNVYHTKKKT[His985Arg]HSRLVDKDCV